The following continues an entry in ClinVar:

NM_000059.4(BRCA2):c.5495C>A (p.Ser1832Tyr)

Gene: BRCA2. ClinVar aggregate classification (germline): Conflicting classifications of pathogenicity. Uncertain significance (4); Likely benign (6).

Submission 12 of 12:

Department of Pathology and Laboratory Medicine, Sinai Health System
Classification: Uncertain significance for Malignant tumor of breast. Review status: no assertion criteria provided. Collection method: clinical testing. Allele origin: unknown. Affected: yes. Study: The Canadian Open Genetics Repository (COGR). Not counted in ClinVar's aggregate classification.
Comment: The BRCA2 p.Ser1832Tyr variant was identified in 1 of 4206 proband chromosomes (frequency: 0.0002) from individuals or families with breast cancer (Borg 2010). The variant was also identified in dbSNP (ID: rs138489917) as With Uncertain significance allele, ClinVar (classified as likely benign by Ambry Genetics, Invitae, SCRP; classified as uncertain significance by GeneDx), Genesight-COGR (classified as unknown significance), UMD-LSDB (2X uncertain significance), databases. The variant was not identified in Cosmic, MutDB, LOVD 3.0, BIC Database, ARUP Laboratories, Zhejiang Colon Cancer Database, databases. The variant was identified in control databases in 5 of 276638 chromosomes at a frequency of 0.00002 increasing the likelihood that this may be a low frequency benign variant in certain populations of origin (Genome Aggregation Consortium Feb 27, 2017). The p.Ser1832 residue is conserved in mammals and computational analyses (PolyPhen-2, SIFT, AlignGVGD, BLOSUM, MutationTaster) provide inconsistent predictions regarding the impact to the protein; this information is not very predictive of pathogenicity. The variant occurs outside of the splicing consensus sequence and 1 of 5 in silico or computational prediction software programs (SpliceSiteFinder, MaxEntScan, NNSPLICE, GeneSplicer, HumanSpliceFinder) predict a greater than 10% difference in splicing; this is not very predictive of pathogenicity. The variant is located with the Breast cancer type 2 susceptibility protein functional domain increasing the likelihood that it may have clinical significance. In addition, in an in silico study of 2103 women with unilateral and contralateral breast cancer the variant was found in patient with unilateral breast cancer and determined unclassified (Borg 2010). In summary, based on the above information, the clinical significance of this variant cannot be determined with certainty at this time. This variant is classified as a variant of uncertain significance.

Literature cited by the submitters: PubMed 20104584 (cited by 3 submitters); PubMed 21520273 (cited by Women's Health and Genetics/Laboratory Corporation of America, LabCorp and Quest Diagnostics Nichols Institute San Juan Capistrano); PubMed 30287823 (cited by Women's Health and Genetics/Laboratory Corporation of America, LabCorp and Quest Diagnostics Nichols Institute San Juan Capistrano); PubMed 28222693 (cited by Women's Health and Genetics/Laboratory Corporation of America, LabCorp and Quest Diagnostics Nichols Institute San Juan Capistrano); PubMed 31131967 (cited by Women's Health and Genetics/Laboratory Corporation of America, LabCorp and Quest Diagnostics Nichols Institute San Juan Capistrano); PubMed 33471991 (cited by Women's Health and Genetics/Laboratory Corporation of America, LabCorp and Quest Diagnostics Nichols Institute San Juan Capistrano); PubMed 36385461 (cited by Women's Health and Genetics/Laboratory Corporation of America, LabCorp); PubMed 31911673 (cited by Quest Diagnostics Nichols Institute San Juan Capistrano).